The following is an entry in ClinVar:

NM_000179.3(MSH6):c.2530A>G (p.Met844Val)

Gene: MSH6 (mutS homolog 6; plus strand). Cytogenetic location: 2p16.3.
Variant type: single nucleotide variant.
Coding change: c.2530A>G on transcript NM_000179.3 (MANE Select); coding-DNA position 2530, A replaced by G.
Protein change: p.Met844Val; replaces methionine 844 with valine.
Molecular consequence: missense variant.
Genome position (GRCh38, 1-based): chr2:47,800,513, A>G. VCF-style: chr2-47800513-A-G. GRCh37 (hg19) VCF-style: chr2-48027652-A-G.
Other names: c.2140A>G, p.Met714Val (NM_001281492.2); c.1624A>G, p.Met542Val (NM_001281493.2, NM_001281494.2, NM_001406811.1 and 6 more transcripts); c.2626A>G, p.Met876Val (NM_001406795.1, NM_001406802.1); c.2530A>G, p.Met844Val (NM_001406796.1, NM_001406798.1, NM_001406800.1 and 2 more transcripts); c.2233A>G, p.Met745Val (NM_001406797.1, NM_001406801.1, NM_001406805.1 and 10 more transcripts); c.2005A>G, p.Met669Val (NM_001406799.1, NM_001406806.1, NM_001406807.1); c.2452A>G, p.Met818Val (NM_001406804.1); c.2536A>G, p.Met846Val (NM_001406813.1); and 1 more; short protein forms M669V, M818V, M846V, M876V, M745V, M714V, M542V, M788V.
Identifiers: ClinVar variation 1792693 (VCV001792693.2), dbSNP rs2104411181, ClinGen allele CA346754440.
Genomic context (GRCh38, chr2:47,800,513, plus strand): 5'-AAAATTCATAATGTTGGGTCTCCCCTGAAGAGTCAGAACCACCCAGACAGCAGGGCTATA[A>G]TGTATGAAGAAACTACATACAGCAAGAAGAAGATTATTGATTTTCTTTCTGCTCTGGAAG-3'
Protein context (NP_000170.1, residues 834-854): SQNHPDSRAI[Met844Val]YEETTYSKKK

ClinVar aggregate classification (germline): Uncertain significance (1 of 4 stars; one submission).

Conditions:
Hereditary cancer-predisposing syndrome. Also called: Tumor predisposition; Hereditary Cancer Syndrome; Neoplastic Syndromes, Hereditary; Hereditary neoplastic syndrome. Identifiers: Orphanet 140162, MedGen C0027672, MeSH D009386, MONDO:0015356.

Submission:

Ambry Genetics
Classification: Uncertain significance for Hereditary cancer-predisposing syndrome. Last evaluated: 2018-09-12. Review status: criteria provided, single submitter. Criteria: Ambry Variant Classification Scheme 2023. Collection method: clinical testing. Allele origin: germline.
Comment: The p.M844V variant (also known as c.2530A>G), located in coding exon 4 of the MSH6 gene, results from an A to G substitution at nucleotide position 2530. The methionine at codon 844 is replaced by valine, an amino acid with highly similar properties. This amino acid position is highly conserved through mammals but not in all available vertebrate species. In addition, the in silico prediction for this alteration is inconclusive. Since supporting evidence is limited at this time, the clinical significance of this alteration remains unclear.